The following is an entry in ClinVar:

ClinVar aggregate classification (germline): Uncertain significance. Review status: criteria provided, multiple submitters, no conflicts (2 of 4 stars). 3 submissions from 3 submitters: Uncertain significance (3). Last evaluated 2025-01-04.

Conditions:
Inborn genetic diseases. Identifiers: MedGen C0950123, MeSH D030342.

Allele frequency attached by ClinVar (database versions not stated): TOPMed 0.00001; ExAC 0.00002; gnomAD exomes 0.00002 and 0.00003; gnomAD 0.00004.
gnomAD v4.1: 50 of 1,614,020 alleles (0.0031%); highest among the groups gnomAD compares: Non-Finnish European, 0.0035%; no homozygotes.

Submissions (3):

Ambry Genetics
Classification: Uncertain significance for Inborn genetic diseases. Last evaluated: 2025-01-04. Review status: criteria provided, single submitter. Criteria: Ambry Variant Classification Scheme 2023. Collection method: clinical testing. Allele origin: germline.

GeneDx
Classification: Uncertain significance. Last evaluated: 2023-05-27. Review status: criteria provided, single submitter. Criteria: GeneDx Variant Classification Process June 2021. Collection method: clinical testing. Allele origin: germline. Affected: yes.
Comment: In silico analysis supports that this missense variant has a deleterious effect on protein structure/function; Has not been previously published as pathogenic or benign to our knowledge

Labcorp Genetics (formerly Invitae), Labcorp
Classification: Uncertain significance. Last evaluated: 2021-12-03. Review status: criteria provided, single submitter. Criteria: Invitae Variant Classification Sherloc (09022015). Collection method: clinical testing. Allele origin: germline.
Comment: In summary, the available evidence is currently insufficient to determine the role of this variant in disease. Therefore, it has been classified as a Variant of Uncertain Significance. Algorithms developed to predict the effect of missense changes on protein structure and function are either unavailable or do not agree on the potential impact of this missense change (SIFT: "Deleterious"; PolyPhen-2: "Probably Damaging"; Align-GVGD: "Class C0"). This variant has not been reported in the literature in individuals affected with LAMA1-related conditions. This variant is present in population databases (rs762327413, gnomAD 0.008%). This sequence change replaces tyrosine, which is neutral and polar, with cysteine, which is neutral and slightly polar, at codon 2475 of the LAMA1 protein (p.Tyr2475Cys).

NM_005559.4(LAMA1):c.7424A>G (p.Tyr2475Cys)

Gene: LAMA1 (laminin subunit alpha 1; minus strand). Cytogenetic location: 18p11.31.
Variant type: single nucleotide variant.
Coding change: c.7424A>G on transcript NM_005559.4 (MANE Select); coding-DNA position 7424, A replaced by G.
Protein change: p.Tyr2475Cys; replaces tyrosine 2475 with cysteine.
Molecular consequence: missense variant.
Genome position (GRCh38, 1-based): chr18:6,961,973, T>C on the plus strand (A>G on the coding strand, the complement: LAMA1 is on the minus strand). VCF-style: chr18-6961973-T-C. GRCh37 (hg19) VCF-style: chr18-6961972-T-C.
Other names: c.7424A>G (NM_005559.3); short protein forms Y2475C.
Identifiers: ClinVar variation 1356165 (VCV001356165.6), dbSNP rs762327413, ClinGen allele CA8880908.
Genomic context (GRCh38, chr18:6,961,973, plus strand): 5'-CTCATTTGAACATTAATAACAATGTTTCCTACCTCCAGTAAACAGCCTTTTCTCACTCCA[T>C]AGGAATTTCTGAGTAAGTCAAAGGTTGATCTGGATATTTCCAGGTTCTTGATGCAGCCCA-3'
Protein context (NP_005550.2, residues 2465-2485): RSTFDLLRNS[Tyr2475Cys]GVRKGCLLEP